The following is an entry in ClinVar:

ClinVar aggregate classification (germline): Uncertain significance (1 of 4 stars; one submission).

Conditions:
Bloom syndrome (BLM). Also called: Bloom-Torre-Machacek syndrome. Identifiers: Orphanet 125, MedGen C0005859, MONDO:0008876, OMIM 210900.

Submission:

Labcorp Genetics (formerly Invitae), Labcorp
Classification: Uncertain significance for Bloom syndrome. Last evaluated: 2022-07-29. Review status: criteria provided, single submitter. Criteria: Invitae Variant Classification Sherloc (09022015). Collection method: clinical testing. Allele origin: germline.
Comment: This sequence change replaces cysteine, which is neutral and slightly polar, with phenylalanine, which is neutral and non-polar, at codon 901 of the BLM protein (p.Cys901Phe). This variant is not present in population databases (gnomAD no frequency). This variant has not been reported in the literature in individuals affected with BLM-related conditions. ClinVar contains an entry for this variant (Variation ID: 1004790). Algorithms developed to predict the effect of missense changes on protein structure and function are either unavailable or do not agree on the potential impact of this missense change (SIFT: "Deleterious"; PolyPhen-2: "Probably Damaging"; Align-GVGD: "Class C0"). In summary, the available evidence is currently insufficient to determine the role of this variant in disease. Therefore, it has been classified as a Variant of Uncertain Significance.

NM_000057.4(BLM):c.2702G>T (p.Cys901Phe)

Gene: BLM (BLM RecQ like helicase; plus strand). Cytogenetic location: 15q26.1.
Variant type: single nucleotide variant.
Coding change: c.2702G>T on transcript NM_000057.4 (MANE Select); coding-DNA position 2702, G replaced by T.
Protein change: p.Cys901Phe; replaces cysteine 901 with phenylalanine.
Molecular consequence: missense variant.
Genome position (GRCh38, 1-based): chr15:90,784,960, G>T. VCF-style: chr15-90784960-G-T. GRCh37 (hg19) VCF-style: chr15-91328190-G-T.
Other names: c.2702G>T, p.Cys901Phe (NM_001287246.2, NM_001287247.2); c.1577G>T, p.Cys526Phe (NM_001287248.2); short protein forms C526F, C901F.
Identifiers: ClinVar variation 1004790 (VCV001004790.9), dbSNP rs758311406, ClinGen allele CA393845925.